The following is an entry in ClinVar:

ClinVar aggregate classification (germline): Benign. Review status: criteria provided, multiple submitters, no conflicts (2 of 4 stars). 5 submissions from 4 submitters: Benign (5). Last evaluated 2021-12-05.

Conditions:
Chondrocalcinosis 2. Also called: CALCIUM GOUT; CALCIUM PYROPHOSPHATE ARTHROPATHY; Familial calcium pyrophosphate deposition. Identifiers: Orphanet 1416, MedGen C0856830, MONDO:0007319, OMIM 118600.
Craniometaphyseal dysplasia, autosomal dominant (CMDD). Identifiers: Orphanet 1522, MedGen C1852502, MONDO:0007397, OMIM 123000.

Allele frequency attached by ClinVar (database versions not stated): 1000 Genomes Project 0.05771; 1000 Genomes Project 30x 0.06043; gnomAD exomes 0.06718 and 0.08624; ExAC 0.07031; gnomAD 0.08732 and 0.09134; TOPMed 0.08815; ESP Exome Variant Server 0.09719.
gnomAD v4.1: 131,579 of 1,532,068 alleles (8.6%); highest among the groups gnomAD compares: African/African-American, 11%; 6,386 homozygotes.

Submissions (5):

Genome-Nilou Lab
Classification: Benign for Craniometaphyseal dysplasia, autosomal dominant. Last evaluated: 2021-12-05. Review status: criteria provided, single submitter. Criteria: ACMG Guidelines, 2015. Collection method: clinical testing. Allele origin: germline. Affected: no.

GeneDx
Classification: Benign. Last evaluated: 2018-11-10. Review status: criteria provided, single submitter. Criteria: GeneDx Variant Classification Process June 2021. Collection method: clinical testing. Allele origin: germline. Affected: yes.

Illumina Laboratory Services, Illumina
Classification: Benign for Craniometaphyseal dysplasia, autosomal dominant. Last evaluated: 2018-01-13. Review status: criteria provided, single submitter. Criteria: ICSL Variant Classification Criteria 13 December 2019. Collection method: clinical testing. Allele origin: germline.
Comment: This variant was observed in the ICSL laboratory as part of a predisposition screen in an ostensibly healthy population. It had not been previously curated by ICSL or reported in the Human Gene Mutation Database (HGMD: prior to June 1st, 2018), and was therefore a candidate for classification through an automated scoring system. Utilizing variant allele frequency, disease prevalence and penetrance estimates, and inheritance mode, an automated score was calculated to assess if this variant is too frequent to cause the disease. Based on the score and internal cut-off values, a variant classified as benign is not then subjected to further curation. The score for this variant resulted in a classification of benign for this disease.

Illumina Laboratory Services, Illumina
Classification: Benign for Chondrocalcinosis 2. Last evaluated: 2018-01-13. Review status: criteria provided, single submitter. Criteria: ICSL Variant Classification Criteria 13 December 2019. Collection method: clinical testing. Allele origin: germline.
Comment: the same text as in the submission from Illumina Laboratory Services, Illumina above.

Breakthrough Genomics
Classification: Benign. Review status: criteria provided, single submitter. Criteria: ACMG Guidelines, 2015. Collection method: not provided. Allele origin: germline. Inheritance: Autosomal dominant inheritance. Affected: yes.

NM_054027.6(ANKH):c.*31A>G

Genes: ANKH (ANKH inorganic pyrophosphate transport regulator; minus strand), OTULIN (OTU deubiquitinase with linear linkage specificity; plus strand). Cytogenetic location: 5p15.2.
Variant type: single nucleotide variant.
Coding change: c.*31A>G on transcript NM_054027.6 (MANE Select); 31 bases downstream of the stop codon, A replaced by G.
Molecular consequence: 3 prime UTR variant.
Genome position (GRCh38, 1-based): chr5:14,711,166, T>C on the plus strand (A>G on the coding strand, the complement: ANKH is on the minus strand). VCF-style: chr5-14711166-T-C. GRCh37 (hg19) VCF-style: chr5-14711275-T-C.
Identifiers: ClinVar variation 351496 (VCV000351496.8), dbSNP rs3045, ClinGen allele CA3208752.